The following is an entry in ClinVar:

ClinVar aggregate classification (germline): Uncertain significance. Review status: criteria provided, multiple submitters, no conflicts (2 of 4 stars). 2 submissions from 2 submitters: Uncertain significance (2). Last evaluated 2025-11-03.

Conditions:
Neuropathy, hereditary sensory, type 2C. Also called: KIF1A-Related HSAN2 (HSAN2C); Hereditary sensory and autonomic neuropathy type IIC. Identifiers: Orphanet 970, MedGen C3280168, MONDO:0013634, OMIM 614213.
Intellectual disability, autosomal dominant 9 (NESCAVS). Also called: NESCAV SYNDROME; KIF1A-Related Neurodevelopmental Disorder. Identifiers: Orphanet 662367, MedGen C5393830, MONDO:0013656, OMIM 614255.
Hereditary spastic paraplegia 30. Identifiers: Orphanet 101010, MedGen C5235139, MONDO:0012476.
Inborn genetic diseases. Identifiers: MedGen C0950123, MeSH D030342.

Allele frequency attached by ClinVar (database versions not stated): TOPMed below 0.00001; gnomAD 0.00001; gnomAD exomes 0.00001.
gnomAD v4.1: 13 of 1,561,906 alleles (0.00083%); highest among the groups gnomAD compares: Non-Finnish European, 0.0011%; no homozygotes.

Submissions (2):

Labcorp Genetics (formerly Invitae), Labcorp
Classification: Uncertain significance for Hereditary spastic paraplegia 30; Neuropathy, hereditary sensory, type 2C; Intellectual disability, autosomal dominant 9. Last evaluated: 2025-11-03. Review status: criteria provided, single submitter. Criteria: Invitae Variant Classification Sherloc (09022015). Collection method: clinical testing. Allele origin: germline.
Comment: This sequence change falls in intron 43 of the KIF1A gene. It does not directly change the encoded amino acid sequence of the KIF1A protein. It affects a nucleotide within the consensus splice site. The frequency data for this variant in the population databases is considered unreliable, as metrics indicate poor data quality at this position in the gnomAD database. This variant has not been reported in the literature in individuals affected with KIF1A-related conditions. ClinVar contains an entry for this variant (Variation ID: 655884). Variants that disrupt the consensus splice site are a relatively common cause of aberrant splicing (PMID: 17576681, 9536098). Algorithms developed to predict the effect of sequence changes on RNA splicing suggest that this variant is not likely to affect RNA splicing. In summary, the available evidence is currently insufficient to determine the role of this variant in disease. Therefore, it has been classified as a Variant of Uncertain Significance.

Ambry Genetics
Classification: Uncertain significance for Inborn genetic diseases. Last evaluated: 2020-03-20. Review status: criteria provided, single submitter. Criteria: Ambry Variant Classification Scheme 2023. Collection method: clinical testing. Allele origin: germline.
Comment: The c.5021+6T>C intronic variant results from a T to C substitution 6 nucleotides after coding exon 45 in the KIF1A gene. This nucleotide position is not well conserved in available vertebrate species. Using the BDGP and ESEfinder splice site prediction tools, this alteration is predicted to weaken the efficiency of the native splice donor site; however, direct evidence is unavailable. Since supporting evidence is limited at this time, the clinical significance of this alteration remains unclear.

Literature cited by the submitters: PubMed 17576681 (cited by Labcorp Genetics (formerly Invitae), Labcorp); PubMed 9536098 (cited by Labcorp Genetics (formerly Invitae), Labcorp).

NM_001244008.2(KIF1A):c.5021+6T>C

Gene: KIF1A (kinesin family member 1A; minus strand). Cytogenetic location: 2q37.3.
Variant type: single nucleotide variant.
Coding change: c.5021+6T>C on transcript NM_001244008.2 (MANE Select); 6 bases into the intron after coding-DNA position 5021, T replaced by C.
Molecular consequence: intron variant.
Genome position (GRCh38, 1-based): chr2:240,719,768, A>G on the plus strand (T>C on the coding strand, the complement: KIF1A is on the minus strand). VCF-style: chr2-240719768-A-G. GRCh37 (hg19) VCF-style: chr2-241659185-A-G.
Other names: c.4718+6T>C (NM_001379653.1, NM_001379650.1, NM_001379641.1 and 2 more transcripts); c.4994+6T>C (NM_001379645.1, NM_001379633.1); c.4844+6T>C (NM_001379635.1, NM_001379646.1); c.4715+6T>C (NM_001379640.1); c.4742+6T>C (NM_001379639.1); c.4745+6T>C (NM_001379649.1, NM_001320705.2); c.4832+6T>C (NM_001379636.1); c.4997+6T>C (NM_001379632.1); and 7 more.
Identifiers: ClinVar variation 655884 (VCV000655884.13), dbSNP rs1179810798, ClinGen allele CA540752764.